The following is an entry in ClinVar:

NM_006379.5(SEMA3C):c.*9T>C

Gene: SEMA3C (semaphorin 3C; minus strand). Cytogenetic location: 7q21.11.
Variant type: single nucleotide variant.
Coding change: c.*9T>C on transcript NM_006379.5 (MANE Select); 9 bases downstream of the stop codon, T replaced by C.
Molecular consequence: 3 prime UTR variant.
Genome position (GRCh38, 1-based): chr7:80,744,885, A>G on the plus strand (T>C on the coding strand, the complement: SEMA3C is on the minus strand). VCF-style: chr7-80744885-A-G. GRCh37 (hg19) VCF-style: chr7-80374201-A-G.
Other names: c.*9T>C (NM_001350120.2, NM_001350121.2).
Identifiers: ClinVar variation 3031781 (VCV003031781.2), dbSNP rs1253653349, ClinGen allele CA842762175.

ClinVar aggregate classification (germline): Likely benign (0 of 4 stars; one submission).

Conditions:
SEMA3C-related disorder. Also called: SEMA3C-related condition.

Allele frequency attached by ClinVar (database versions not stated): gnomAD 0.00001; gnomAD exomes 0.00001; TOPMed 0.00004.
gnomAD v4.1: 6 of 1,613,704 alleles (0.00037%); highest among the groups gnomAD compares: African/African-American, 0.0067%; no homozygotes.

Submission:

PreventionGenetics, part of Exact Sciences
Classification: Likely benign for SEMA3C-related condition. Last evaluated: 2022-04-19. Review status: no assertion criteria provided. Collection method: clinical testing. Allele origin: germline.
Comment: This variant is classified as likely benign based on ACMG/AMP sequence variant interpretation guidelines (Richards et al. 2015 PMID: 25741868, with internal and published modifications).